The following is an entry in ClinVar:

NM_025132.4(WDR19):c.2272C>A (p.His758Asn)

Gene: WDR19 (WD repeat domain 19; plus strand). Cytogenetic location: 4p14.
Variant type: single nucleotide variant.
Coding change: c.2272C>A on transcript NM_025132.4 (MANE Select); coding-DNA position 2272, C replaced by A.
Protein change: p.His758Asn; replaces histidine 758 with asparagine.
Molecular consequence: missense variant.
Genome position (GRCh38, 1-based): chr4:39,234,784, C>A. VCF-style: chr4-39234784-C-A. GRCh37 (hg19) VCF-style: chr4-39236404-C-A.
Other names: c.1792C>A, p.His598Asn (NM_001317924.2); c.2272C>A (NM_025132.3); short protein forms H598N, H758N.
Identifiers: ClinVar variation 1418222 (VCV001418222.8), dbSNP rs577133819, ClinGen allele CA2892047.
Genomic context (GRCh38, chr4:39,234,784, plus strand): 5'-AATTTTGCTCATTTGAAATTAAGGTCTTTCTCTTCTTAACAGATGAGAAGGGATTTACAG[C>A]ATTGGGACAGTGCTCTACAACTGGCAAAGCATTTGGCCCCAGACCAGATACCTTTTATAT-3'
Protein context (NP_079408.3, residues 748-768): AALEMRRDLQ[His758Asn]WDSALQLAKH

ClinVar aggregate classification (germline): Uncertain significance. Review status: criteria provided, multiple submitters, no conflicts (2 of 4 stars). 3 submissions from 3 submitters: Uncertain significance (3). Last evaluated 2025-03-07.

Conditions:
Inborn genetic diseases. Identifiers: MedGen C0950123, MeSH D030342.
Senior-Loken syndrome 8 (SLSN8). Identifiers: Orphanet 3156, MedGen C4225376, MONDO:0014579, OMIM 616307.
Asphyxiating thoracic dystrophy 5 (SRTD5). Also called: SHORT-RIB THORACIC DYSPLASIA 5 WITH OR WITHOUT POLYDACTYLY; SHORT-RIB THORACIC DYSPLASIA 5 WITHOUT POLYDACTYLY. Identifiers: Orphanet 474, MedGen C3280598, MONDO:0013717, OMIM 614376.

Allele frequency attached by ClinVar (database versions not stated): gnomAD exomes below 0.00001 and 0.00002; TOPMed below 0.00001; gnomAD 0.00001; ExAC 0.00003; 1000 Genomes Project 30x 0.00016; 1000 Genomes Project 0.00020.
gnomAD v4.1: 3 of 1,579,708 alleles (0.00019%); highest among the groups gnomAD compares: African/African-American, 0.0027%; no homozygotes.

Submissions (3):

Ambry Genetics
Classification: Uncertain significance for Inborn genetic diseases. Last evaluated: 2025-03-07. Review status: criteria provided, single submitter. Criteria: Ambry Variant Classification Scheme 2023. Collection method: clinical testing. Allele origin: germline.

Labcorp Genetics (formerly Invitae), Labcorp
Classification: Uncertain significance for Senior-Loken syndrome 8; Asphyxiating thoracic dystrophy 5. Last evaluated: 2022-02-19. Review status: criteria provided, single submitter. Criteria: Invitae Variant Classification Sherloc (09022015). Collection method: clinical testing. Allele origin: germline.
Comment: This sequence change replaces histidine, which is basic and polar, with asparagine, which is neutral and polar, at codon 758 of the WDR19 protein (p.His758Asn). The frequency data for this variant in the population databases is considered unreliable, as metrics indicate poor data quality at this position in the gnomAD database. This variant has not been reported in the literature in individuals affected with WDR19-related conditions. Algorithms developed to predict the effect of missense changes on protein structure and function (SIFT, PolyPhen-2, Align-GVGD) all suggest that this variant is likely to be tolerated. In summary, the available evidence is currently insufficient to determine the role of this variant in disease. Therefore, it has been classified as a Variant of Uncertain Significance.

Blueprint Genetics
Classification: Uncertain significance. Last evaluated: 2019-11-15. Review status: criteria provided, single submitter. Criteria: ACMG Guidelines, 2015. Collection method: clinical testing. Allele origin: germline.